The following is an entry in ClinVar:

NM_001366385.1(CARD14):c.1790G>T (p.Arg597Leu)

Gene: CARD14 (caspase recruitment domain family member 14; plus strand). Cytogenetic location: 17q25.3.
Variant type: single nucleotide variant.
Coding change: c.1790G>T on transcript NM_001366385.1 (MANE Select); coding-DNA position 1790, G replaced by T.
Protein change: p.Arg597Leu; replaces arginine 597 with leucine.
Molecular consequence: missense variant. On other transcripts: non-coding transcript variant (1).
Genome position (GRCh38, 1-based): chr17:80,198,530, G>T. VCF-style: chr17-80198530-G-T. GRCh37 (hg19) VCF-style: chr17-78172329-G-T.
Other names: c.1790G>T, p.Arg597Leu (NM_001257970.1, NM_024110.4); c.1079G>T, p.Arg360Leu (NM_052819.3); short protein forms R360L, R597L.
Identifiers: ClinVar variation 1805648 (VCV001805648.1), dbSNP rs201920372, ClinGen allele CA401351295.

ClinVar aggregate classification (germline): Uncertain significance (1 of 4 stars; one submission).

Conditions:
Familial pityriasis rubra pilaris. Identifiers: MedGen C2930842, MONDO:0008251.

Submission:

Victorian Clinical Genetics Services, Murdoch Childrens Research Institute
Classification: Uncertain significance for Familial pityriasis rubra pilaris. Last evaluated: 2020-05-21. Review status: criteria provided, single submitter. Criteria: ACMG Guidelines, 2015. Collection method: clinical testing. Allele origin: germline. Inheritance: Autosomal dominant inheritance.
Comment: Based on the classification scheme VCGS_Germline_v1.1.1, this variant is classified as 3C-VUS. Following criteria are met: 0101 - Gain-of-function is a known mechanism of disease for this gene. (N) 0107 - This gene is known to be associated with autosomal dominant disease. (N) 0200 - Variant is predicted to result in a missense amino acid change from arginine to leucine (exon 13). (N) 0251 - Variant is heterozygous. (N) 0301 - Variant is absent from gnomAD. (P) 0309 - Alternative amino acid changes at the same position have been observed in gnomAD (1007 heterozygotes, 20 homozygotes). (N) 0502 - Missense variant with conflicting in silico predictions and/or uninformative conservation. (N) 0600 - Variant is located in an annotated domain or motif (PDZ signaling domain; NCBI). (N) 0710 - Comparable variants have some previous evidence for being benign (ClinVar). (B) 0807 - Variant has not previously been reported in a clinical context. (N) 0905 - No segregation evidence has been identified for this variant. (N) 1007 - No published functional evidence has been identified for this variant. (N) 1208 - Inheritance information for this variant is not currently available. (N) Legend: (P) - Pathogenic, (N) - Neutral, (B) - Benign